The following is an entry in ClinVar:

ClinVar aggregate classification (germline): Uncertain significance (1 of 4 stars; one submission).

Conditions:
Actin accumulation myopathy (CMYO2A). Also called: Nemaline myopathy type 3; Myopathy, actin, congenital, with excess of thin myofilaments; Myopathy, actin, congenital, with cores; Nemaline myopathy 3, with intranuclear rods; CONGENITAL MYOPATHY 2A, TYPICAL, AUTOSOMAL DOMINANT. Identifiers: Orphanet 98904, MedGen C3711389, MONDO:0008070, OMIM 161800.

Submission:

Labcorp Genetics (formerly Invitae), Labcorp
Classification: Uncertain significance for Actin accumulation myopathy. Last evaluated: 2021-06-20. Review status: criteria provided, single submitter. Criteria: Invitae Variant Classification Sherloc (09022015). Collection method: clinical testing. Allele origin: germline.
Comment: Algorithms developed to predict the effect of missense changes on protein structure and function are either unavailable or do not agree on the potential impact of this missense change (SIFT: "Deleterious"; PolyPhen-2: "Benign"; Align-GVGD: "Class C55"). This variant has not been reported in the literature in individuals with ACTA1-related conditions. This variant is not present in population databases (ExAC no frequency). This sequence change replaces threonine with asparagine at codon 151 of the ACTA1 protein (p.Thr151Asn). The threonine residue is highly conserved and there is a small physicochemical difference between threonine and asparagine. In summary, the available evidence is currently insufficient to determine the role of this variant in disease. Therefore, it has been classified as a Variant of Uncertain Significance.

NM_001100.4(ACTA1):c.452C>A (p.Thr151Asn)

Gene: ACTA1 (actin alpha 1, skeletal muscle; minus strand). Cytogenetic location: 1q42.13.
Variant type: single nucleotide variant.
Coding change: c.452C>A on transcript NM_001100.4 (MANE Select); coding-DNA position 452, C replaced by A.
Protein change: p.Thr151Asn; replaces threonine 151 with asparagine.
Molecular consequence: missense variant.
Genome position (GRCh38, 1-based): chr1:229,432,558, G>T on the plus strand (C>A on the coding strand, the complement: ACTA1 is on the minus strand). VCF-style: chr1-229432558-G-T. GRCh37 (hg19) VCF-style: chr1-229568305-G-T.
Other names: short protein forms T151N.
Identifiers: ClinVar variation 1522830 (VCV001522830.8), dbSNP rs2102736155, ClinGen allele CA345149077.